The following is an entry in ClinVar:

NM_033380.3(COL4A5):c.3017G>A (p.Gly1006Asp)

Gene: COL4A5 (collagen type IV alpha 5 chain; plus strand). Cytogenetic location: Xq22.3.
Variant type: single nucleotide variant.
Coding change: c.3017G>A on transcript NM_033380.3 (MANE Select); coding-DNA position 3017, G replaced by A.
Protein change: p.Gly1006Asp; replaces glycine 1006 with aspartic acid.
Molecular consequence: missense variant.
Genome position (GRCh38, 1-based): chrX:108,625,705, G>A. VCF-style: chrX-108625705-G-A. GRCh37 (hg19) VCF-style: chrX-107868935-G-A.
Other names: c.3017G>A, p.Gly1006Asp (NM_000495.5); short protein forms G1006D.
Identifiers: ClinVar variation 562330 (VCV000562330.4), dbSNP rs104886202, ClinGen allele CA413854394.

ClinVar aggregate classification (germline): Likely pathogenic. Review status: criteria provided, single submitter (1 of 4 stars). 2 submissions from 2 submitters: Likely pathogenic (1). 1 of the submissions does not count toward it. Last evaluated 2024-06-14.

Submissions (2):

Labcorp Genetics (formerly Invitae), Labcorp
Classification: Likely pathogenic. Last evaluated: 2024-06-14. Review status: criteria provided, single submitter. Criteria: Invitae Variant Classification Sherloc (09022015). Collection method: clinical testing. Allele origin: germline.
Comment: This sequence change replaces glycine, which is neutral and non-polar, with aspartic acid, which is acidic and polar, at codon 1006 of the COL4A5 protein (p.Gly1006Asp). This variant is not present in population databases (gnomAD no frequency). This missense change has been observed in individual(s) with Alport syndrome and/or clinical features of this condition (PMID: 30586318; Invitae). ClinVar contains an entry for this variant (Variation ID: 562330). Experimental studies and prediction algorithms are not available or were not evaluated, and the functional significance of this variant is currently unknown. This variant disrupts the triple helix domain of COL4A5. Glycine residues within the Gly-Xaa-Yaa repeats of the triple helix domain are required for the structure and stability of fibrillar collagens (PMID: 7695699, 8218237, 19344236). In COL4A5, missense variants at these glycine residues are significantly enriched in individuals with disease (PMID: 23720012, 27627812) compared to the general population (ExAC). This variant disrupts the p.Gly1006 amino acid residue in COL4A5. Other variant(s) that disrupt this residue have been observed in individuals with COL4A5-related conditions (PMID: 11223851), which suggests that this may be a clinically significant amino acid residue. In summary, the currently available evidence indicates that the variant is pathogenic, but additional data are needed to prove that conclusively. Therefore, this variant has been classified as Likely Pathogenic.

Gharavi Laboratory, Columbia University
Classification: Likely pathogenic. Last evaluated: 2018-09-16. Review status: no assertion criteria provided. Criteria: ACMG Guidelines, 2015. Collection method: research. Allele origin: germline. Affected: yes. Not counted in ClinVar's aggregate classification.

Literature cited by the submitters: PubMed 30586318 (cited by Labcorp Genetics (formerly Invitae), Labcorp); PubMed 7695699 (cited by Labcorp Genetics (formerly Invitae), Labcorp); PubMed 8218237 (cited by Labcorp Genetics (formerly Invitae), Labcorp); PubMed 19344236 (cited by Labcorp Genetics (formerly Invitae), Labcorp); PubMed 23720012 (cited by Labcorp Genetics (formerly Invitae), Labcorp); PubMed 27627812 (cited by Labcorp Genetics (formerly Invitae), Labcorp); PubMed 11223851 (cited by Labcorp Genetics (formerly Invitae), Labcorp).